The following is an entry in ClinVar:

NM_015295.3(SMCHD1):c.1654C>T (p.Arg552Ter)

Gene: SMCHD1 (structural maintenance of chromosomes flexible hinge domain containing 1; plus strand). Cytogenetic location: 18p11.32.
Variant type: single nucleotide variant.
Coding change: c.1654C>T on transcript NM_015295.3 (MANE Select); coding-DNA position 1654, C replaced by T.
Protein change: p.Arg552Ter; replaces arginine 552 with a stop codon.
Molecular consequence: nonsense.
Genome position (GRCh38, 1-based): chr18:2,703,698, C>T. VCF-style: chr18-2703698-C-T. GRCh37 (hg19) VCF-style: chr18-2703696-C-T.
Other names: short protein forms R552*.
Identifiers: ClinVar variation 942587 (VCV000942587.13), dbSNP rs1224850132, ClinGen allele CA401678023.

ClinVar aggregate classification (germline): Pathogenic. Review status: criteria provided, multiple submitters, no conflicts (2 of 4 stars). 2 submissions from 2 submitters: Pathogenic (2). Last evaluated 2022-08-09.

Conditions:
Facioscapulohumeral muscular dystrophy 2 (FSHD2). Also called: MUSCULAR DYSTROPHY, FACIOSCAPULOHUMERAL, TYPE 1B; FACIOSCAPULOHUMERAL MUSCULAR DYSTROPHY 2, DIGENIC; FSHD2, DIGENIC. Identifiers: Orphanet 269, MedGen C1834671, MONDO:0008031, OMIM 158901.

Allele frequency attached by ClinVar (database versions not stated): gnomAD 0.00001; TOPMed 0.00001.
gnomAD v4.1: 1 of 1,603,710 alleles (0.000062%); highest among the groups gnomAD compares: African/African-American, 0.0013%; no homozygotes.

Submissions (2):

Labcorp Genetics (formerly Invitae), Labcorp
Classification: Pathogenic for Facioscapulohumeral muscular dystrophy 2. Last evaluated: 2022-08-09. Review status: criteria provided, single submitter. Criteria: Invitae Variant Classification Sherloc (09022015). Collection method: clinical testing. Allele origin: germline.
Comment: This premature translational stop signal has been observed in individual(s) with facioscapulohumeral muscular dystrophy 2 (FSHD2) (PMID: 30327220). For these reasons, this variant has been classified as Pathogenic. ClinVar contains an entry for this variant (Variation ID: 942587). This variant is present in population databases (no rsID available, gnomAD 0.01%). This sequence change creates a premature translational stop signal (p.Arg552*) in the SMCHD1 gene. It is expected to result in an absent or disrupted protein product. Loss-of-function variants in SMCHD1 are known to be pathogenic (PMID: 23143600).

Revvity Omics, Revvity
Classification: Pathogenic. Last evaluated: 2020-06-26. Review status: criteria provided, single submitter. Criteria: ACMG Guidelines, 2015. Collection method: clinical testing. Allele origin: germline.

Literature cited by the submitters: PubMed 30327220 (cited by Labcorp Genetics (formerly Invitae), Labcorp); PubMed 23143600 (cited by Labcorp Genetics (formerly Invitae), Labcorp).